The following is an entry in ClinVar:

NM_000138.5(FBN1):c.4459G>C (p.Asp1487His)

Gene: FBN1 (fibrillin 1; minus strand). Cytogenetic location: 15q21.1.
Variant type: single nucleotide variant.
Coding change: c.4459G>C on transcript NM_000138.5 (MANE Select); coding-DNA position 4459, G replaced by C.
Protein change: p.Asp1487His; replaces aspartic acid 1487 with histidine.
Molecular consequence: missense variant.
Genome position (GRCh38, 1-based): chr15:48,470,634, C>G on the plus strand (G>C on the coding strand, the complement: FBN1 is on the minus strand). VCF-style: chr15-48470634-C-G. GRCh37 (hg19) VCF-style: chr15-48762831-C-G.
Other names: c.4459G>C, p.Asp1487His (NM_001406716.1); short protein forms D1487H.
Identifiers: ClinVar variation 4786675 (VCV004786675.1).
Genomic context (GRCh38, chr15:48,470,634, plus strand): 5'-CCAATAGCTGGGTCCCCCGGGACACCAGGGAGCTGATTTTGATGCCAGTGGAGGTCTTAC[C>G]TGTGCAGTTCCCGCCGCTTCTGTCCAGTTCGTAGCCTATCTCACACTCACAGCGGAACAG-3'
Protein context (NP_000129.3, residues 1477-1497): ELDRSGGNCT[Asp1487His]VNECLDPTTC

ClinVar aggregate classification (germline): Uncertain significance (1 of 4 stars; one submission).

Conditions:
Marfan syndrome (MFS). Also called: FBN1-Related Marfan Syndrome; MARFAN SYNDROME, TYPE I; Marfan syndrome type 1; Marfan's syndrome; Marfan syndrome, classic. Identifiers: Orphanet 284963, Orphanet 558, MedGen C0024796, MONDO:0007947, OMIM 154700.
Familial thoracic aortic aneurysm and aortic dissection (TAAD). Also called: Thoracic aortic aneurysms and dissections. Identifiers: Orphanet 91387, MedGen C4707243, MONDO:0019625.

Submission:

Labcorp Genetics (formerly Invitae), Labcorp
Classification: Uncertain significance for Marfan syndrome; Familial thoracic aortic aneurysm and aortic dissection. Last evaluated: 2025-11-11. Review status: criteria provided, single submitter. Criteria: Invitae Variant Classification Sherloc (09022015). Collection method: clinical testing. Allele origin: germline.
Comment: This sequence change replaces aspartic acid, which is acidic and polar, with histidine, which is basic and polar, at codon 1487 of the FBN1 protein (p.Asp1487His). This variant also falls at the last nucleotide of exon 36, which is part of the consensus splice site for this exon. This variant is not present in population databases (gnomAD no frequency). This missense change has been observed in individual(s) with clinical features of FBN1-related condition (internal data). An algorithm developed to predict the effect of missense changes on protein structure and function (PolyPhen-2) suggests that this variant is likely to be disruptive. Variants that disrupt the consensus splice site are a relatively common cause of aberrant splicing (PMID: 17576681, 9536098). Algorithms developed to predict the effect of sequence changes on RNA splicing suggest that this variant may disrupt the consensus splice site. This variant disrupts the p.Asp1487 amino acid residue in FBN1. Other variant(s) that disrupt this residue have been determined to be pathogenic (PMID: 19293843, 35058154; internal data). This suggests that this residue is clinically significant, and that variants that disrupt this residue are likely to be disease-causing. In summary, the available evidence is currently insufficient to determine the role of this variant in disease. Therefore, it has been classified as a Variant of Uncertain Significance.

Literature cited by the submitters: PubMed 17576681; PubMed 9536098; PubMed 19293843; PubMed 35058154.